The following is an entry in ClinVar:

NM_000836.4(GRIN2D):c.2041A>G (p.Met681Val)

Gene: GRIN2D (glutamate ionotropic receptor NMDA type subunit 2D; plus strand). Cytogenetic location: 19q13.33.
Variant type: single nucleotide variant.
Coding change: c.2041A>G on transcript NM_000836.4 (MANE Select); coding-DNA position 2041, A replaced by G.
Protein change: p.Met681Val; replaces methionine 681 with valine.
Molecular consequence: missense variant.
Genome position (GRCh38, 1-based): chr19:48,419,764, A>G. VCF-style: chr19-48419764-A-G. GRCh37 (hg19) VCF-style: chr19-48923021-A-G.
Other names: short protein forms M681V.
Identifiers: ClinVar variation 1013174 (VCV001013174.45), dbSNP rs1555893359, ClinGen allele CA406698345.

ClinVar aggregate classification (germline): Pathogenic/Likely pathogenic. Review status: criteria provided, multiple submitters, no conflicts (2 of 4 stars). 3 submissions from 3 submitters: Pathogenic (1); Likely pathogenic (2). Last evaluated 2023-09-01.

Conditions:
Developmental and epileptic encephalopathy, 46 (DEE46). Also called: GRIN2D-Related Developmental and Epileptic Encephalopathy; Epileptic encephalopathy, early infantile, 46. Identifiers: MedGen C4310687, MONDO:0014947, OMIM 617162.

Submissions (3):

3billion
Classification: Likely pathogenic for Developmental and epileptic encephalopathy, 46. Last evaluated: 2023-09-01. Review status: criteria provided, single submitter. Criteria: ACMG Guidelines, 2015. Collection method: clinical testing. Allele origin: germline. Affected: yes.
Comment: The variant is not observed in the gnomAD v2.1.1 dataset. Predicted Consequence/Location: Missense changes are a common disease-causing mechanism. In silico tool predictions suggest damaging effect of the variant on gene or gene product [3Cnet: 0.97 (>=0.6, sensitivity 0.72 and precision 0.9)]. Same nucleotide change resulting in same amino acid change has been previously reported as pathogenic/likely pathogenic with strong evidence (ClinVar ID: VCV001013174). A different missense change at the same codon (p.Met681Ile) has been reported to be associated with GRIN2D related disorder (ClinVar ID: VCV000599388 /PMID: 30280376). Therefore, this variant is classified as Likely pathogenic according to the recommendation of ACMG/AMP guideline.

Labcorp Genetics (formerly Invitae), Labcorp
Classification: Pathogenic. Last evaluated: 2021-06-24. Review status: criteria provided, single submitter. Criteria: Invitae Variant Classification Sherloc (09022015). Collection method: clinical testing. Allele origin: germline.
Comment: Advanced modeling of protein sequence and biophysical properties (such as structural, functional, and spatial information, amino acid conservation, physicochemical variation, residue mobility, and thermodynamic stability) performed at Invitae indicates that this missense variant is expected to disrupt GRIN2D protein function. For these reasons, this variant has been classified as Pathogenic. This variant has been observed in individual(s) with clinical features of developmental and epileptic encephalopathy (Invitae). In at least one individual the variant was observed to be de novo. ClinVar contains an entry for this variant (Variation ID: 1013174). This variant is not present in population databases (ExAC no frequency). This sequence change replaces methionine with valine at codon 681 of the GRIN2D protein (p.Met681Val). The methionine residue is highly conserved and there is a small physicochemical difference between methionine and valine.

CeGaT Center for Human Genetics Tuebingen
Classification: Likely pathogenic. Last evaluated: 2020-10-01. Review status: criteria provided, single submitter. Criteria: CeGaT Center For Human Genetics Tuebingen Variant Classification Criteria Version 2. Collection method: clinical testing. Allele origin: germline. Affected: yes. Observed: 2 variant alleles.

Literature cited by the submitters: PubMed 30280376 (cited by 3billion).